The following is an entry in ClinVar:

NM_001267550.2(TTN):c.59558del (p.Gly19853fs)

Genes: TTN (titin; minus strand), TTN-AS1 (TTN antisense RNA 1; plus strand), LOC126806424 (CDK7 strongly-dependent group 2 enhancer GRCh37_chr2:179456337-179457536; plus strand). Cytogenetic location: 2q31.2.
Variant type: Deletion.
Coding change: c.59558del on transcript NM_001267550.2 (MANE Select); coding-DNA position 59558, one base deleted (G; older notation c.59558delG).
Protein change: p.Gly19853fs; shifts the reading frame from glycine 19853.
Molecular consequence: frameshift variant.
Genome position (GRCh38, 1-based): chr2:178,592,447, C deleted on the plus strand (G on the coding strand, the reverse complement: TTN is on the minus strand); the first of 2 consecutive C bases (chr2:178,592,447-178,592,448); deleting either gives the same sequence. VCF-style (leftmost placement, unchanged base first): chr2-178592446-TC-T. GRCh37 (hg19) VCF-style: chr2-179457173-TC-T.
Other names: c.54635del, p.Gly18212fs (NM_001256850.1); c.32363del, p.Gly10788fs (NM_003319.4); c.51854del, p.Gly17285fs (NM_133378.4); c.32738del, p.Gly10913fs (NM_133432.3); c.32939del, p.Gly10980fs (NM_133437.4); short protein forms G10788fs, G10913fs, G10980fs, G17285fs, G18212fs, G19853fs.
Identifiers: ClinVar variation 3755291 (VCV003755291.2).

ClinVar aggregate classification (germline): Likely pathogenic (1 of 4 stars; one submission).

Conditions:
Dilated cardiomyopathy 1G (CMD1G). Identifiers: Orphanet 154, MedGen C1858763, MONDO:0011400, OMIM 604145.
Autosomal recessive limb-girdle muscular dystrophy type 2J (LGMDR10). Also called: Limb-girdle muscular dystrophy, type 2J; MUSCULAR DYSTROPHY, LIMB-GIRDLE, AUTOSOMAL RECESSIVE 10. Identifiers: Orphanet 140922, MedGen C1837342, MONDO:0012127, OMIM 608807.

Submission:

Labcorp Genetics (formerly Invitae), Labcorp
Classification: Likely pathogenic for Dilated cardiomyopathy 1G; Autosomal recessive limb-girdle muscular dystrophy type 2J. Last evaluated: 2024-03-14. Review status: criteria provided, single submitter. Criteria: Invitae Variant Classification Sherloc (09022015). Collection method: clinical testing. Allele origin: germline.
Comment: This sequence change creates a premature translational stop signal (p.Gly19853Glufs*5) in the TTN gene. While this is not anticipated to result in nonsense mediated decay, it is expected to create a truncated TTN protein. This variant is not present in population databases (gnomAD no frequency). This variant has not been reported in the literature in individuals affected with TTN-related conditions. This variant is located in the A band of TTN (PMID: 25589632). Truncating variants in this region are significantly overrepresented in patients affected with dilated cardiomyopathy (PMID: 25589632). Truncating variants in this region have also been reported in individuals affected with autosomal recessive centronuclear myopathy (PMID: 23975875). In summary, the currently available evidence indicates that the variant is pathogenic, but additional data are needed to prove that conclusively. Therefore, this variant has been classified as Likely Pathogenic.

Literature cited by the submitters: PubMed 25589632; PubMed 23975875.